The following is an entry in ClinVar:

NM_031471.6(FERMT3):c.1069C>T (p.Arg357Ter)

Gene: FERMT3 (FERM domain containing kindlin 3; plus strand). Cytogenetic location: 11q13.1.
Variant type: single nucleotide variant.
Coding change: c.1069C>T on transcript NM_031471.6 (MANE Select); coding-DNA position 1069, C replaced by T.
Protein change: p.Arg357Ter; replaces arginine 357 with a stop codon.
Molecular consequence: nonsense.
Genome position (GRCh38, 1-based): chr11:64,219,779, C>T. VCF-style: chr11-64219779-C-T. GRCh37 (hg19) VCF-style: chr11-63987251-C-T.
Other names: c.1069C>T, p.Arg357Ter (NM_001382361.1, NM_001382362.1, NM_001382448.1 and 1 more transcripts); c.529C>T, p.Arg177Ter (NM_001382363.1, NM_001382364.1); short protein forms R177*, R357*.
Identifiers: ClinVar variation 4995358 (VCV004995358.1).

ClinVar aggregate classification (germline): Pathogenic (1 of 4 stars; one submission).

Conditions:
FERMT3-related disorder. Also called: FERMT3-related condition.

gnomAD v4.1: 3 of 1,614,046 alleles (0.00019%); highest among the groups gnomAD compares: South Asian, 0.0011%; no homozygotes.

Submission:

PreventionGenetics, part of Exact Sciences
Classification: Pathogenic for FERMT3-related condition. Last evaluated: 2026-02-27. Review status: criteria provided, single submitter. Criteria: ACMG Guidelines, 2015. Collection method: clinical testing. Allele origin: germline.
Comment: The FERMT3 c.1069C>T variant is predicted to result in premature protein termination (p.Arg357*). This variant has been reported in at least two siblings with leukocyte adhesion deficiency (Wolach et al. 2019. PubMed ID: 30412664). This variant has also been reported in the homozygous state in an individual with clinical suspicion of primary immunodeficiencies (PIDs) (Table S1, Simon et al. 2020. PubMed ID: 32135276). This variant is reported in 0.0033% of alleles in individuals of South Asian descent in gnomAD. Nonsense variants in FERMT3 are expected to be pathogenic. This variant is interpreted as pathogenic.